The following is an entry in ClinVar:

NM_000367.5(TPMT):c.309G>A (p.Gln103=)

Gene: TPMT (thiopurine S-methyltransferase; minus strand). Cytogenetic location: 6p22.3.
Variant type: single nucleotide variant.
Coding change: c.309G>A on transcript NM_000367.5 (MANE Select); coding-DNA position 309, G replaced by A.
Protein change: p.Gln103=; no amino-acid change (glutamine 103 retained).
Molecular consequence: synonymous variant.
Genome position (GRCh38, 1-based): chr6:18,143,653, C>T on the plus strand (G>A on the coding strand, the complement: TPMT is on the minus strand). VCF-style: chr6-18143653-C-T. GRCh37 (hg19) VCF-style: chr6-18143884-C-T.
Other names: c.309G>A, p.Gln103= (NM_001346817.1, NM_001346818.1).
Identifiers: ClinVar variation 2656264 (VCV002656264.24), dbSNP rs1397979403, ClinGen allele CA448765762.

ClinVar aggregate classification (germline): Likely benign (1 of 4 stars; one submission).

Allele frequency attached by ClinVar (database versions not stated): gnomAD 0.00001; TOPMed 0.00001.
gnomAD v4.1: 1 of 1,613,780 alleles (0.000062%); highest among the groups gnomAD compares: Non-Finnish European, 0.000085%; no homozygotes.

Submission:

CeGaT Center for Human Genetics Tuebingen
Classification: Likely benign. Last evaluated: 2022-05-01. Review status: criteria provided, single submitter. Criteria: CeGaT Center For Human Genetics Tuebingen Variant Classification Criteria Version 2. Collection method: clinical testing. Allele origin: germline. Affected: yes. Observed: 1 variant allele.
Comment: TPMT: BP4, BP7